The following is an entry in ClinVar:

NM_001111.5(ADAR):c.415C>G (p.Gln139Glu)

Gene: ADAR (adenosine deaminase RNA specific; minus strand). Cytogenetic location: 1q21.3.
Variant type: single nucleotide variant.
Coding change: c.415C>G on transcript NM_001111.5 (MANE Select); coding-DNA position 415, C replaced by G.
Protein change: p.Gln139Glu; replaces glutamine 139 with glutamic acid.
Molecular consequence: missense variant. On other transcripts: 5 prime UTR variant (6).
Genome position (GRCh38, 1-based): chr1:154,602,227, G>C on the plus strand (C>G on the coding strand, the complement: ADAR is on the minus strand). VCF-style: chr1-154602227-G-C. GRCh37 (hg19) VCF-style: chr1-154574703-G-C.
Other names: c.-471C>G (NM_001025107.3, NM_001193495.2, NM_001365046.1 and 3 more transcripts); c.442C>G, p.Gln148Glu (NM_001365045.1); c.415C>G, p.Gln139Glu (NM_015840.4, NM_015841.4, LRG_1212t1); short protein forms Q148E, Q139E.
Identifiers: ClinVar variation 647145 (VCV000647145.10), dbSNP rs1463382499, ClinGen allele CA342603136.

ClinVar aggregate classification (germline): Uncertain significance. Review status: criteria provided, multiple submitters, no conflicts (2 of 4 stars). 3 submissions from 3 submitters: Uncertain significance (3). Last evaluated 2025-12-15.

Conditions:
Aicardi-Goutieres syndrome 6 (AGS6). Identifiers: Orphanet 51, MedGen C3539013, MONDO:0014007, OMIM 615010.
Symmetrical dyschromatosis of extremities (DSH). Also called: RETICULATE ACROPIGMENTATION OF DOHI; SYMMETRIC DYSCHROMATOSIS OF THE EXTREMITIES; DYSCHROMATOSIS SYMMETRICA HEREDITARIA 1; Dyschromatosis symmetrica hereditaria. Identifiers: Orphanet 41, MedGen C0406775, MONDO:0007483, OMIM 127400.
Inborn genetic diseases. Identifiers: MedGen C0950123, MeSH D030342.

Allele frequency attached by ClinVar (database versions not stated): gnomAD 0.00001; TOPMed 0.00003; gnomAD exomes 0.00004 and below 0.00001.
gnomAD v4.1: 65 of 1,614,082 alleles (0.004%); highest among the groups gnomAD compares: Non-Finnish European, 0.0051%; no homozygotes.

Submissions (3):

Labcorp Genetics (formerly Invitae), Labcorp
Classification: Uncertain significance for Aicardi-Goutieres syndrome 6; Symmetrical dyschromatosis of extremities. Last evaluated: 2025-12-15. Review status: criteria provided, single submitter. Criteria: Invitae Variant Classification Sherloc (09022015). Collection method: clinical testing. Allele origin: germline.
Comment: This sequence change replaces glutamine, which is neutral and polar, with glutamic acid, which is acidic and polar, at codon 139 of the ADAR protein (p.Gln139Glu). This variant is present in population databases (no rsID available, gnomAD 0.003%). This variant has not been reported in the literature in individuals affected with ADAR-related conditions. ClinVar contains an entry for this variant (Variation ID: 647145). An algorithm developed to predict the effect of missense changes on protein structure and function outputs the following: PolyPhen-2: "Benign". The glutamic acid amino acid residue is found in multiple mammalian species, which suggests that this missense change does not adversely affect protein function. In summary, the available evidence is currently insufficient to determine the role of this variant in disease. Therefore, it has been classified as a Variant of Uncertain Significance.

Genome-Nilou Lab
Classification: Uncertain significance for Aicardi-Goutieres syndrome 6. Last evaluated: 2023-04-11. Review status: criteria provided, single submitter. Criteria: ACMG Guidelines, 2015. Collection method: clinical testing. Allele origin: germline. Affected: no.

Ambry Genetics
Classification: Uncertain significance for Inborn genetic diseases. Last evaluated: 2022-11-18. Review status: criteria provided, single submitter. Criteria: Ambry Variant Classification Scheme 2023. Collection method: clinical testing. Allele origin: germline.